The following is an entry in ClinVar:

NM_000059.4(BRCA2):c.2983G>A (p.Gly995Arg)

Gene: BRCA2 (BRCA2 DNA repair associated; plus strand). Cytogenetic location: 13q13.1.
Variant type: single nucleotide variant.
Coding change: c.2983G>A on transcript NM_000059.4 (MANE Select); coding-DNA position 2983, G replaced by A.
Protein change: p.Gly995Arg; replaces glycine 995 with arginine.
Molecular consequence: missense variant.
Genome position (GRCh38, 1-based): chr13:32,337,338, G>A. VCF-style: chr13-32337338-G-A. GRCh37 (hg19) VCF-style: chr13-32911475-G-A.
Other names: short protein forms G995R.
Identifiers: ClinVar variation 580871 (VCV000580871.12), dbSNP rs886040457, ClinGen allele CA387774571.

ClinVar aggregate classification (germline): Conflicting classifications of pathogenicity. Review status: criteria provided, conflicting classifications (1 of 4 stars). 3 submissions from 3 submitters: Uncertain significance (2); Likely benign (1). Last evaluated 2023-03-23.

Conditions:
Hereditary cancer-predisposing syndrome. Also called: Neoplastic Syndromes, Hereditary; Tumor predisposition; Hereditary neoplastic syndrome; Hereditary Cancer Syndrome. Identifiers: Orphanet 140162, MedGen C0027672, MeSH D009386, MONDO:0015356.
Hereditary breast ovarian cancer syndrome. Also called: Hereditary breast and ovarian cancer syndrome; Hereditary breast and ovarian cancer syndrome (HBOC); BRCA1- and BRCA2-Associated Hereditary Breast and Ovarian Cancer; Hereditary breast and/or ovarian cancer syndrome; Hereditary breast and ovarian cancer; Breast and ovarian cancer. Identifiers: Orphanet 145, MedGen C0677776, MeSH D061325, MONDO:0003582. Disease mechanism: loss of function.

Submissions (3):

University of Washington Department of Laboratory Medicine, University of Washington
Classification: Likely benign for Hereditary cancer-predisposing syndrome. Last evaluated: 2023-03-23. Review status: criteria provided, single submitter. Criteria: Dines et al. (Genet Med. 2020). Collection method: curation. Allele origin: germline.
Comment: Missense variant in a coldspot region where missense variants are very unlikely to be pathogenic (PMID:31911673).

BRCA2 exon 11 coldspot. Reclassification based on statistical prior probability.

Color Diagnostics, LLC DBA Color Health
Classification: Uncertain significance for Hereditary cancer-predisposing syndrome. Last evaluated: 2019-03-14. Review status: criteria provided, single submitter. Criteria: ACMG Guidelines, 2015. Collection method: clinical testing. Allele origin: germline.

Labcorp Genetics (formerly Invitae), Labcorp
Classification: Uncertain significance for Hereditary breast ovarian cancer syndrome. Last evaluated: 2018-06-13. Review status: criteria provided, single submitter. Criteria: Invitae Variant Classification Sherloc (09022015). Collection method: clinical testing. Allele origin: germline.
Comment: This sequence change replaces glycine with arginine at codon 995 of the BRCA2 protein (p.Gly995Arg). The glycine residue is weakly conserved and there is a moderate physicochemical difference between glycine and arginine. In summary, the available evidence is currently insufficient to determine the role of this variant in disease. Therefore, it has been classified as a Variant of Uncertain Significance. Algorithms developed to predict the effect of missense changes on protein structure and function output the following: SIFT: "Tolerated"; PolyPhen-2: "Benign"; Align-GVGD: "Class C0". The arginine amino acid residue is found in multiple mammalian species, suggesting that this missense change does not adversely affect protein function. These predictions have not been confirmed by published functional studies and their clinical significance is uncertain. This variant has not been reported in the literature in individuals with BRCA2-related disease. This variant is not present in population databases (ExAC no frequency).